The following is an entry in ClinVar:

ClinVar aggregate classification (germline): Uncertain significance (1 of 4 stars; one submission).

Submission:

Labcorp Genetics (formerly Invitae), Labcorp
Classification: Uncertain significance. Last evaluated: 2024-10-23. Review status: criteria provided, single submitter. Criteria: Invitae Variant Classification Sherloc (09022015). Collection method: clinical testing. Allele origin: germline.
Comment: This sequence change replaces aspartic acid, which is acidic and polar, with glutamic acid, which is acidic and polar, at codon 892 of the CACNA1F protein (p.Asp892Glu). This variant is not present in population databases (gnomAD no frequency). This variant has not been reported in the literature in individuals affected with CACNA1F-related conditions. Invitae Evidence Modeling of protein sequence and biophysical properties (such as structural, functional, and spatial information, amino acid conservation, physicochemical variation, residue mobility, and thermodynamic stability) indicates that this missense variant is not expected to disrupt CACNA1F protein function with a negative predictive value of 80%. In summary, the available evidence is currently insufficient to determine the role of this variant in disease. Therefore, it has been classified as a Variant of Uncertain Significance.

NM_001256789.3(CACNA1F):c.2643C>A (p.Asp881Glu)

Gene: CACNA1F (calcium voltage-gated channel subunit alpha1 F; minus strand). Cytogenetic location: Xp11.23.
Variant type: single nucleotide variant.
Coding change: c.2643C>A on transcript NM_001256789.3 (MANE Select); coding-DNA position 2643, C replaced by A.
Protein change: p.Asp881Glu; replaces aspartic acid 881 with glutamic acid.
Molecular consequence: missense variant.
Genome position (GRCh38, 1-based): chrX:49,219,351, G>T on the plus strand (C>A on the coding strand, the complement: CACNA1F is on the minus strand). VCF-style: chrX-49219351-G-T. GRCh37 (hg19) VCF-style: chrX-49075810-G-T.
Other names: c.2481C>A, p.Asp827Glu (NM_001256790.3); c.2676C>A, p.Asp892Glu (NM_005183.4); short protein forms D892E, D881E, D827E.
Identifiers: ClinVar variation 3667037 (VCV003667037.2).